The following is an entry in ClinVar:

ClinVar aggregate classification (germline): Uncertain significance (1 of 4 stars; one submission).

Allele frequency attached by ClinVar (database versions not stated): gnomAD exomes 0.00001; gnomAD 0.00002; TOPMed 0.00002; ExAC 0.00004.
gnomAD v4.1: 17 of 1,614,070 alleles (0.0011%); highest among the groups gnomAD compares: African/African-American, 0.0013%; no homozygotes.

Submission:

Labcorp Genetics (formerly Invitae), Labcorp
Classification: Uncertain significance. Last evaluated: 2022-02-03. Review status: criteria provided, single submitter. Criteria: Invitae Variant Classification Sherloc (09022015). Collection method: clinical testing. Allele origin: germline.
Comment: This sequence change replaces valine, which is neutral and non-polar, with methionine, which is neutral and non-polar, at codon 69 of the TJP2 protein (p.Val69Met). This variant is present in population databases (rs200422718, gnomAD 0.006%). This missense change has been observed in individual(s) with TJP2-related conditions (PMID: 32793533). Algorithms developed to predict the effect of missense changes on protein structure and function are either unavailable or do not agree on the potential impact of this missense change (SIFT: "Deleterious"; PolyPhen-2: "Probably Damaging"; Align-GVGD: "Class C0"). In summary, the available evidence is currently insufficient to determine the role of this variant in disease. Therefore, it has been classified as a Variant of Uncertain Significance.

Literature cited by the submitters: PubMed 32793533.

NM_004817.4(TJP2):c.205G>A (p.Val69Met)

Gene: TJP2 (tight junction protein 2; plus strand). Cytogenetic location: 9q21.11.
Variant type: single nucleotide variant.
Coding change: c.205G>A on transcript NM_004817.4 (MANE Select); coding-DNA position 205, G replaced by A.
Protein change: p.Val69Met; replaces valine 69 with methionine.
Molecular consequence: missense variant.
Genome position (GRCh38, 1-based): chr9:69,216,429, G>A. VCF-style: chr9-69216429-G-A. GRCh37 (hg19) VCF-style: chr9-71831345-G-A.
Other names: c.136G>A, p.Val46Met (NM_001170414.2, NM_001369870.1, NM_001369871.1); c.217G>A, p.Val73Met (NM_001170415.1, NM_001369874.1, NM_001369875.1); c.298G>A, p.Val100Met (NM_001170416.2); c.205G>A, p.Val69Met (NM_001369872.1, NM_001369873.1, NM_201629.3); short protein forms V69M, V100M, V46M, V73M.
Identifiers: ClinVar variation 2184834 (VCV002184834.1), dbSNP rs200422718, ClinGen allele CA5072929.
Genomic context (GRCh38, chr9:69,216,429, plus strand): 5'-TCCGGAGGCAGAGACAACCCCCACTTTGAAAATGGAGAAACGTCAATTGTCATTTCTGAT[G>A]TGCTCCCGGGTGGGCCTGCTGATGGGCTGCTCCAGTGAGTGTCCTCCCTCGCTCCGCAGC-3'
Protein context (NP_004808.2, residues 59-79): NGETSIVISD[Val69Met]LPGGPADGLL